The following is an entry in ClinVar:

ClinVar aggregate classification (germline): Uncertain significance (1 of 4 stars; one submission).

Conditions:
Familial hypocalciuric hypercalcemia (FHH). Also called: Familial benign hypercalcemia. Identifiers: Orphanet 405, MedGen C1809471, MONDO:0018458.
Autosomal dominant hypocalcemia 1 (HYPOC1). Also called: HYPOCALCEMIA, FAMILIAL. Identifiers: MedGen C3715128, MONDO:0011013, OMIM 601198.

Submission:

Labcorp Genetics (formerly Invitae), Labcorp
Classification: Uncertain significance for Familial hypocalciuric hypercalcemia; Autosomal dominant hypocalcemia 1. Last evaluated: 2021-05-27. Review status: criteria provided, single submitter. Criteria: Invitae Variant Classification Sherloc (09022015). Collection method: clinical testing. Allele origin: germline.
Comment: This variant is not present in population databases (ExAC no frequency). This variant has not been reported in the literature in individuals with CASR-related conditions. Algorithms developed to predict the effect of missense changes on protein structure and function are either unavailable or do not agree on the potential impact of this missense change (SIFT: "Deleterious"; PolyPhen-2: "Probably Damaging"; Align-GVGD: "Class C0"). In summary, the available evidence is currently insufficient to determine the role of this variant in disease. Therefore, it has been classified as a Variant of Uncertain Significance. This sequence change replaces phenylalanine with tyrosine at codon 806 of the CASR protein (p.Phe806Tyr). The phenylalanine residue is highly conserved and there is a small physicochemical difference between phenylalanine and tyrosine.

NM_000388.4(CASR):c.2417T>A (p.Phe806Tyr)

Gene: CASR (calcium sensing receptor; plus strand). Cytogenetic location: 3q21.1.
Variant type: single nucleotide variant.
Coding change: c.2417T>A on transcript NM_000388.4 (MANE Select); coding-DNA position 2417, T replaced by A.
Protein change: p.Phe806Tyr; replaces phenylalanine 806 with tyrosine.
Molecular consequence: missense variant.
Genome position (GRCh38, 1-based): chr3:122,284,371, T>A. VCF-style: chr3-122284371-T-A. GRCh37 (hg19) VCF-style: chr3-122003218-T-A.
Other names: c.2447T>A, p.Phe816Tyr (NM_001178065.2); short protein forms F806Y, F816Y.
Identifiers: ClinVar variation 1397176 (VCV001397176.8), dbSNP rs104893693, ClinGen allele CA82748962.
Genomic context (GRCh38, chr3:122,284,371, plus strand): 5'-TCTGCTTCTTCTTTGCCTTCAAGTCCCGGAAGCTGCCGGAGAACTTCAATGAAGCCAAGT[T>A]CATCACCTTCAGCATGCTCATCTTCTTCATCGTCTGGATCTCCTTCATTCCAGCCTATGC-3'
Protein context (NP_000379.3, residues 796-816): KLPENFNEAK[Phe806Tyr]ITFSMLIFFI